The following is an entry in ClinVar:

ClinVar aggregate classification (germline): Uncertain significance (1 of 4 stars; one submission).

Conditions:
Multiple endocrine neoplasia type 4. Also called: MULTIPLE ENDOCRINE NEOPLASIA, TYPE IV. Identifiers: Orphanet 276152, MedGen C1970712, MONDO:0012552, OMIM 610755.

Submission:

Labcorp Genetics (formerly Invitae), Labcorp
Classification: Uncertain significance for Multiple endocrine neoplasia type 4. Last evaluated: 2023-04-08. Review status: criteria provided, single submitter. Criteria: Invitae Variant Classification Sherloc (09022015). Collection method: clinical testing. Allele origin: germline.
Comment: This sequence change replaces threonine, which is neutral and polar, with arginine, which is basic and polar, at codon 187 of the CDKN1B protein (p.Thr187Arg). This variant is not present in population databases (gnomAD no frequency). In summary, the available evidence is currently insufficient to determine the role of this variant in disease. Therefore, it has been classified as a Variant of Uncertain Significance. An algorithm developed to predict the effect of missense changes on protein structure and function (PolyPhen-2) suggests that this variant is likely to be disruptive. This variant has not been reported in the literature in individuals affected with CDKN1B-related conditions.

NM_004064.5(CDKN1B):c.560C>G (p.Thr187Arg)

Gene: CDKN1B (cyclin dependent kinase inhibitor 1B; plus strand). Cytogenetic location: 12p13.1.
Variant type: single nucleotide variant.
Coding change: c.560C>G on transcript NM_004064.5 (MANE Select); coding-DNA position 560, C replaced by G.
Protein change: p.Thr187Arg; replaces threonine 187 with arginine.
Molecular consequence: missense variant.
Genome position (GRCh38, 1-based): chr12:12,718,909, C>G. VCF-style: chr12-12718909-C-G. GRCh37 (hg19) VCF-style: chr12-12871843-C-G.
Other names: short protein forms T187R.
Identifiers: ClinVar variation 2853581 (VCV002853581.3), dbSNP rs2136357440, ClinGen allele CA383973137.